The following is an entry in ClinVar:

NM_000138.5(FBN1):c.5129T>C (p.Leu1710Ser)

Gene: FBN1 (fibrillin 1; minus strand). Cytogenetic location: 15q21.1.
Variant type: single nucleotide variant.
Coding change: c.5129T>C on transcript NM_000138.5 (MANE Select); coding-DNA position 5129, T replaced by C.
Protein change: p.Leu1710Ser; replaces leucine 1710 with serine.
Molecular consequence: missense variant.
Genome position (GRCh38, 1-based): chr15:48,463,177, A>G on the plus strand (T>C on the coding strand, the complement: FBN1 is on the minus strand). VCF-style: chr15-48463177-A-G. GRCh37 (hg19) VCF-style: chr15-48755374-A-G.
Other names: c.5129T>C, p.Leu1710Ser (NM_001406716.1); short protein forms L1710S.
Identifiers: ClinVar variation 2938113 (VCV002938113.3), dbSNP rs2505491149, ClinGen allele CA392349244.

ClinVar aggregate classification (germline): Uncertain significance (1 of 4 stars; one submission).

Conditions:
Marfan syndrome (MFS). Also called: MARFAN SYNDROME, TYPE I; Marfan syndrome type 1; Marfan's syndrome; Marfan syndrome, classic; FBN1-Related Marfan Syndrome. Identifiers: Orphanet 284963, Orphanet 558, MedGen C0024796, MONDO:0007947, OMIM 154700.
Familial thoracic aortic aneurysm and aortic dissection (TAAD). Also called: Thoracic aortic aneurysms and dissections. Identifiers: Orphanet 91387, MedGen C4707243, MONDO:0019625.

Submission:

Labcorp Genetics (formerly Invitae), Labcorp
Classification: Uncertain significance for Marfan syndrome; Familial thoracic aortic aneurysm and aortic dissection. Last evaluated: 2023-09-05. Review status: criteria provided, single submitter. Criteria: Invitae Variant Classification Sherloc (09022015). Collection method: clinical testing. Allele origin: germline.
Comment: Advanced modeling of protein sequence and biophysical properties (such as structural, functional, and spatial information, amino acid conservation, physicochemical variation, residue mobility, and thermodynamic stability) performed at Invitae indicates that this missense variant is expected to disrupt FBN1 protein function. This sequence change replaces leucine, which is neutral and non-polar, with serine, which is neutral and polar, at codon 1710 of the FBN1 protein (p.Leu1710Ser). This variant is not present in population databases (gnomAD no frequency). This missense change has been observed in individual(s) with acromicric dysplasia (PMID: 33082559). In summary, the available evidence is currently insufficient to determine the role of this variant in disease. Therefore, it has been classified as a Variant of Uncertain Significance.

Literature cited by the submitters: PubMed 33082559.